The following is an entry in ClinVar:

ClinVar aggregate classification (germline): Uncertain significance. Review status: criteria provided, multiple submitters, no conflicts (2 of 4 stars). 2 submissions from 2 submitters: Uncertain significance (2). Last evaluated 2025-11-17.

Conditions:
Inborn genetic diseases. Identifiers: MedGen C0950123, MeSH D030342.

Allele frequency attached by ClinVar (database versions not stated): ExAC 0.00001; gnomAD exomes 0.00001; TOPMed 0.00003; gnomAD 0.00002.
gnomAD v4.1: 12 of 1,612,942 alleles (0.00074%); highest among the groups gnomAD compares: African/African-American, 0.016%; no homozygotes.

Submissions (2):

Ambry Genetics
Classification: Uncertain significance for Inborn genetic diseases. Last evaluated: 2025-11-17. Review status: criteria provided, single submitter. Criteria: Ambry Variant Classification Scheme 2023. Collection method: clinical testing. Allele origin: germline.

Women's Health and Genetics/Laboratory Corporation of America, LabCorp
Classification: Uncertain significance. Last evaluated: 2023-12-18. Review status: criteria provided, single submitter. Criteria: LabCorp Variant Classification Summary - May 2015. Collection method: clinical testing. Allele origin: germline.
Comment: Variant summary: VARS2 c.100C>G (p.Pro34Ala) results in a non-conservative amino acid change in the encoded protein sequence. Four of five in-silico tools predict a benign effect of the variant on protein function. The variant allele was found at a frequency of 7.5e-06 in 1,605,948 control chromosomes (gnomAD v4.0). To our knowledge, no occurrence of c.100C>G in individuals affected with Combined Oxidative Phosphorylation Defect Type 20 and no experimental evidence demonstrating its impact on protein function have been reported. No submitters have cited clinical-significance assessments for this variant to ClinVar after 2014. Based on the evidence outlined above, the variant was classified as uncertain significance.

NM_020442.6(VARS2):c.100C>G (p.Pro34Ala)

Gene: VARS2 (valyl-tRNA synthetase 2, mitochondrial; plus strand). Cytogenetic location: 6p21.33.
Variant type: single nucleotide variant.
Coding change: c.100C>G on transcript NM_020442.6 (MANE Select); coding-DNA position 100, C replaced by G.
Protein change: p.Pro34Ala; replaces proline 34 with alanine.
Molecular consequence: missense variant. On other transcripts: intron variant (1).
Genome position (GRCh38, 1-based): chr6:30,914,936, C>G. VCF-style: chr6-30914936-C-G. GRCh37 (hg19) VCF-style: chr6-30882713-C-G.
Other names: c.190C>G, p.Pro64Ala (NM_001167734.2); c.-219-220C>G (NM_001167733.3); c.190C>G (NM_001167734.1); short protein forms P34A, P64A.
Identifiers: ClinVar variation 2691320 (VCV002691320.2), dbSNP rs776104443, ClinGen allele CA3705495.